The following is an entry in ClinVar:

ClinVar aggregate classification (germline): Uncertain significance (1 of 4 stars; one submission).

Submission:

GeneDx
Classification: Uncertain significance. Last evaluated: 2024-10-09. Review status: criteria provided, single submitter. Criteria: GeneDx Variant Classification Process June 2021. Collection method: clinical testing. Allele origin: germline. Affected: yes.
Comment: Not observed at significant frequency in large population cohorts (gnomAD); In silico analysis indicates that this missense variant does not alter protein structure/function; Has not been previously published as pathogenic or benign to our knowledge

NM_006265.3(RAD21):c.1426G>C (p.Val476Leu)

Gene: RAD21 (RAD21 cohesin complex component; minus strand). Cytogenetic location: 8q24.11.
Variant type: single nucleotide variant.
Coding change: c.1426G>C on transcript NM_006265.3 (MANE Select); coding-DNA position 1426, G replaced by C.
Protein change: p.Val476Leu; replaces valine 476 with leucine.
Molecular consequence: missense variant.
Genome position (GRCh38, 1-based): chr8:116,851,992, C>G on the plus strand (G>C on the coding strand, the complement: RAD21 is on the minus strand). VCF-style: chr8-116851992-C-G. GRCh37 (hg19) VCF-style: chr8-117864231-C-G.
Other names: short protein forms V476L.
Identifiers: ClinVar variation 3777638 (VCV003777638.1).